The following is an entry in ClinVar:

NM_000969.5(RPL5):c.527+9A>G

Genes: DIPK1A (divergent protein kinase domain 1A; minus strand), RPL5 (ribosomal protein L5; plus strand). Cytogenetic location: 1p22.1.
Variant type: single nucleotide variant.
Coding change: c.527+9A>G on transcript NM_000969.5 (MANE Select); 9 bases into the intron after coding-DNA position 527, A replaced by G.
Molecular consequence: intron variant.
Genome position (GRCh38, 1-based): chr1:92,836,401, A>G. VCF-style: chr1-92836401-A-G. GRCh37 (hg19) VCF-style: chr1-93301958-A-G.
Other names: c.475-3367T>C (NM_001252273.2).
Identifiers: ClinVar variation 4995612 (VCV004995612.1).

ClinVar aggregate classification (germline): Likely benign (1 of 4 stars; one submission).

Conditions:
RPL5-related disorder. Also called: RPL5-related condition.

Submission:

PreventionGenetics, part of Exact Sciences
Classification: Likely benign for RPL5-related condition. Last evaluated: 2025-08-10. Review status: criteria provided, single submitter. Criteria: ACMG Guidelines, 2015. Collection method: clinical testing. Allele origin: germline.
Comment: This variant is classified as likely benign based on ACMG/AMP sequence variant interpretation guidelines (Richards et al. 2015 PMID: 25741868, with internal and published modifications).